The following is an entry in ClinVar:

ClinVar aggregate classification (germline): Benign/Likely benign. Review status: criteria provided, multiple submitters, no conflicts (2 of 4 stars). 7 submissions from 7 submitters: Benign (2); Likely benign (3). 2 of the submissions do not count toward it. Last evaluated 2026-02-01.

Conditions:
SLX4-related disorder. Also called: SLX4-related condition.
Fanconi anemia (FA). Also called: Fanconi's anemia. Identifiers: Orphanet 84, MedGen C0015625, MeSH D005199, MONDO:0019391.

Allele frequency attached by ClinVar (database versions not stated): gnomAD exomes 0.00033; ExAC 0.00042; ESP Exome Variant Server 0.00092; TOPMed 0.00099; gnomAD 0.00100 and 0.00112; 1000 Genomes Project 0.00160; 1000 Genomes Project 30x 0.00187.
gnomAD v4.1: 284 of 1,614,124 alleles (0.018%); highest among the groups gnomAD compares: African/African-American, 0.32%; 1 homozygote.

Submissions (7):

Labcorp Genetics (formerly Invitae), Labcorp
Classification: Benign for Fanconi anemia. Last evaluated: 2026-02-01. Review status: criteria provided, single submitter. Criteria: Invitae Variant Classification Sherloc (09022015). Collection method: clinical testing. Allele origin: germline.

CeGaT Center for Human Genetics Tuebingen
Classification: Likely benign. Last evaluated: 2023-02-01. Review status: criteria provided, single submitter. Criteria: CeGaT Center For Human Genetics Tuebingen Variant Classification Criteria Version 2. Collection method: clinical testing. Allele origin: germline. Affected: yes. Observed: 1 variant allele.
Comment: SLX4: BP4, BP7

Blueprint Genetics
Classification: Likely benign. Last evaluated: 2022-07-11. Review status: criteria provided, single submitter. Criteria: ACMG Guidelines, 2015. Collection method: clinical testing. Allele origin: germline.

Sema4
Classification: Likely benign for Fanconi anemia. Last evaluated: 2021-12-07. Review status: criteria provided, single submitter. Criteria: Sema4 Curation Guidelines. Collection method: curation. Allele origin: germline.

Breakthrough Genomics
Classification: Benign. Review status: criteria provided, single submitter. Criteria: ACMG Guidelines, 2015. Collection method: not provided. Allele origin: germline. Inheritance: Autosomal recessive inheritance. Affected: yes.

Genetic Services Laboratory, University of Chicago
Classification: Likely benign. Last evaluated: 2022-12-14. Review status: no assertion criteria provided. Collection method: clinical testing. Allele origin: germline. Affected: no. Not counted in ClinVar's aggregate classification.

PreventionGenetics, part of Exact Sciences
Classification: Benign for SLX4-related condition. Last evaluated: 2019-09-16. Review status: no assertion criteria provided. Collection method: clinical testing. Allele origin: germline. Not counted in ClinVar's aggregate classification.
Comment: This variant is classified as benign based on ACMG/AMP sequence variant interpretation guidelines (Richards et al. 2015 PMID: 25741868, with internal and published modifications).

NM_032444.4(SLX4):c.4479G>A (p.Ser1493=)

Gene: SLX4 (SLX4 structure-specific endonuclease subunit; minus strand). Cytogenetic location: 16p13.3.
Variant type: single nucleotide variant.
Coding change: c.4479G>A on transcript NM_032444.4 (MANE Select); coding-DNA position 4479, G replaced by A.
Protein change: p.Ser1493=; no amino-acid change (serine 1493 retained).
Molecular consequence: synonymous variant.
Genome position (GRCh38, 1-based): chr16:3,589,159, C>T on the plus strand (G>A on the coding strand, the complement: SLX4 is on the minus strand). VCF-style: chr16-3589159-C-T. GRCh37 (hg19) VCF-style: chr16-3639160-C-T.
Other names: c.4479G>A (NM_032444.3, LRG_503t1).
Identifiers: ClinVar variation 456326 (VCV000456326.41), dbSNP rs150097733, ClinGen allele CA7865629.